The following is an entry in ClinVar:

ClinVar aggregate classification (germline): Uncertain significance (1 of 4 stars; one submission).

Conditions:
Hypertrophic cardiomyopathy. Also called: HYPERTROPHIC MYOCARDIOPATHY. Identifiers: Orphanet 217569, MedGen C0007194, MeSH D002312, MONDO:0005045, HP:0001639.

Submission:

All of Us Research Program, National Institutes of Health
Classification: Uncertain significance for Hypertrophic cardiomyopathy. Last evaluated: 2024-03-24. Review status: criteria provided, single submitter. Criteria: ACMG Guidelines, 2015. Collection method: clinical testing. Allele origin: germline. Inheritance: Autosomal dominant inheritance. Observed: 1 variant allele, 1 heterozygote.
Comment: This missense variant replaces serine with isoleucine at codon 369 of the PRKAG2 protein. Computational prediction suggests that this variant may have deleterious impact on protein structure and function (internally defined REVEL score threshold >= 0.7, PMID: 27666373). To our knowledge, functional studies have not been reported for this variant. This variant has not been reported in individuals affected with PRKAG2-related disorders in the literature. This variant has not been identified in the general population by the Genome Aggregation Database (gnomAD). The available evidence is insufficient to determine the role of this variant in disease conclusively. Therefore, this variant is classified as a Variant of Uncertain Significance.

This study involves interpretation of variants in research participants for the purpose of population health screening. Participant phenotype was not available at the time of variant classification. Additional details can be found in publication PMID: 35346344, PMCID: PMC8962531

NM_016203.4(PRKAG2):c.1106G>T (p.Ser369Ile)

Gene: PRKAG2 (protein kinase AMP-activated non-catalytic subunit gamma 2; minus strand). Cytogenetic location: 7q36.1.
Variant type: single nucleotide variant.
Coding change: c.1106G>T on transcript NM_016203.4 (MANE Select); coding-DNA position 1106, G replaced by T.
Protein change: p.Ser369Ile; replaces serine 369 with isoleucine.
Molecular consequence: missense variant.
Genome position (GRCh38, 1-based): chr7:151,570,171, C>A on the plus strand (G>T on the coding strand, the complement: PRKAG2 is on the minus strand). VCF-style: chr7-151570171-C-A. GRCh37 (hg19) VCF-style: chr7-151267257-C-A.
Other names: c.974G>T, p.Ser325Ile (NM_001040633.2, NM_001407024.1); c.731G>T, p.Ser244Ile (NM_001304527.2, NM_001407029.1); c.383G>T, p.Ser128Ile (NM_001304531.2, NM_001407034.1, NM_001407035.1 and 1 more transcripts); c.734G>T, p.Ser245Ile (NM_001363698.2, NM_001407028.1); c.1106G>T, p.Ser369Ile (NM_001407021.1); c.1103G>T, p.Ser368Ile (NM_001407022.1, NM_001407023.1); c.971G>T, p.Ser324Ile (NM_001407026.1, NM_001407027.1); c.818G>T, p.Ser273Ile (NM_001407030.1); and 6 more; short protein forms S127I, S128I, S144I, S148I, S244I, S245I, S261I, S263I.
Identifiers: ClinVar variation 3387530 (VCV003387530.1).